The following is an entry in ClinVar:

NM_001330078.2(NRXN1):c.2471C>G (p.Thr824Arg)

Gene: NRXN1 (neurexin 1; minus strand). Cytogenetic location: 2p16.3.
Variant type: single nucleotide variant.
Coding change: c.2471C>G on transcript NM_001330078.2 (MANE Select); coding-DNA position 2471, C replaced by G.
Protein change: p.Thr824Arg; replaces threonine 824 with arginine.
Molecular consequence: missense variant.
Genome position (GRCh38, 1-based): chr2:50,506,521, G>C on the plus strand (C>G on the coding strand, the complement: NRXN1 is on the minus strand). VCF-style: chr2-50506521-G-C. GRCh37 (hg19) VCF-style: chr2-50733659-G-C.
Other names: c.2591C>G, p.Thr864Arg (NM_001135659.3); c.2447C>G, p.Thr816Arg (NM_001330077.2, NM_001330082.2); c.2405C>G, p.Thr802Arg (NM_001330083.2, NM_001330084.2); c.2444C>G, p.Thr815Arg (NM_001330085.2); c.2471C>G, p.Thr824Arg (NM_001330086.2, NM_004801.6); c.2360C>G, p.Thr787Arg (NM_001330087.2, NM_001330096.2); c.2390C>G, p.Thr797Arg (NM_001330088.2); c.2468C>G, p.Thr823Arg (NM_001330093.2); and 2 more; short protein forms T787R, T797R, T802R, T807R, T815R, T816R, T820R, T823R.
Identifiers: ClinVar variation 3617891 (VCV003617891.2).

ClinVar aggregate classification (germline): Uncertain significance (1 of 4 stars; one submission).

Conditions:
Pitt-Hopkins-like syndrome 2 (PTHSL2). Identifiers: Orphanet 221150, Orphanet 600663, MedGen C3280479, MONDO:0013690, OMIM 614325.

Submission:

Labcorp Genetics (formerly Invitae), Labcorp
Classification: Uncertain significance for Pitt-Hopkins-like syndrome 2. Last evaluated: 2024-12-17. Review status: criteria provided, single submitter. Criteria: Invitae Variant Classification Sherloc (09022015). Collection method: clinical testing. Allele origin: germline.
Comment: This sequence change replaces threonine, which is neutral and polar, with arginine, which is basic and polar, at codon 864 of the NRXN1 protein (p.Thr864Arg). This variant is not present in population databases (gnomAD no frequency). This variant has not been reported in the literature in individuals affected with NRXN1-related conditions. An algorithm developed to predict the effect of missense changes on protein structure and function (PolyPhen-2) suggests that this variant is likely to be tolerated. In summary, the available evidence is currently insufficient to determine the role of this variant in disease. Therefore, it has been classified as a Variant of Uncertain Significance.